The following is an entry in ClinVar:

NM_198859.4(PRICKLE2):c.972C>T (p.Ser324=)

Gene: PRICKLE2 (prickle planar cell polarity protein 2; minus strand). Cytogenetic location: 3p14.1.
Variant type: single nucleotide variant.
Coding change: c.972C>T on transcript NM_198859.4 (MANE Select); coding-DNA position 972, C replaced by T.
Protein change: p.Ser324=; no amino-acid change (serine 324 retained).
Molecular consequence: synonymous variant.
Genome position (GRCh38, 1-based): chr3:64,147,518, G>A on the plus strand (C>T on the coding strand, the complement: PRICKLE2 is on the minus strand). VCF-style: chr3-64147518-G-A. GRCh37 (hg19) VCF-style: chr3-64133194-G-A.
Other names: c.972C>T, p.Ser324= (NM_001370528.1).
Identifiers: ClinVar variation 707149 (VCV000707149.13), dbSNP rs143141434, ClinGen allele CA2479713.

ClinVar aggregate classification (germline): Likely benign. Review status: criteria provided, multiple submitters, no conflicts (2 of 4 stars). 3 submissions from 3 submitters: Likely benign (2). 1 of the submissions does not count toward it. Last evaluated 2025-01-30.

Conditions:
Progressive myoclonic epilepsy type 5. Identifiers: Orphanet 402082, MedGen C5190799.
PRICKLE2-related disorder. Also called: PRICKLE2-related condition.

Allele frequency attached by ClinVar (database versions not stated): gnomAD 0.00011 and 0.00013; ExAC 0.00012; gnomAD exomes 0.00012; TOPMed 0.00015; 1000 Genomes Project 30x 0.00016; 1000 Genomes Project 0.00020; ESP Exome Variant Server 0.00023.

Submissions (3):

Labcorp Genetics (formerly Invitae), Labcorp
Classification: Likely benign for Progressive myoclonic epilepsy type 5. Last evaluated: 2025-01-30. Review status: criteria provided, single submitter. Criteria: Invitae Variant Classification Sherloc (09022015). Collection method: clinical testing. Allele origin: germline.

Blueprint Genetics
Classification: Likely benign. Last evaluated: 2024-07-22. Review status: criteria provided, single submitter. Criteria: ACMG Guidelines, 2015. Collection method: clinical testing. Allele origin: germline.

PreventionGenetics, part of Exact Sciences
Classification: Likely benign for PRICKLE2-related condition. Last evaluated: 2019-04-29. Review status: no assertion criteria provided. Collection method: clinical testing. Allele origin: germline. Not counted in ClinVar's aggregate classification.
Comment: This variant is classified as likely benign based on ACMG/AMP sequence variant interpretation guidelines (Richards et al. 2015 PMID: 25741868, with internal and published modifications).